The following is an entry in ClinVar:

ClinVar aggregate classification (germline): Uncertain significance (1 of 4 stars; one submission).

Allele frequency attached by ClinVar (database versions not stated): gnomAD exomes 0.00001.
gnomAD v4.1: 10 of 1,612,938 alleles (0.00062%); highest among the groups gnomAD compares: Non-Finnish European, 0.00085%; no homozygotes.

Submission:

Laboratory for Molecular Medicine, Mass General Brigham Personalized Medicine
Classification: Uncertain significance. Last evaluated: 2013-12-11. Review status: criteria provided, single submitter. Criteria: LMM Criteria. Collection method: clinical testing. Allele origin: germline. Observed: 1 variant allele.
Comment: The Arg16362Gly variant in TTN has not been reported in individuals with cardiom yopathy or in large population studies. Computational analyses (biochemical amin o acid properties, conservation, AlignGVGD, PolyPhen2, and SIFT) suggest that th e Arg16362Gly variant may impact the protein, though this information is not pre dictive enough to determine pathogenicity. Additional information is needed to f ully assess the clinical significance of the Arg16362Gly variant.

NM_001267550.2(TTN):c.56788A>G (p.Arg18930Gly)

Genes: TTN-AS1 (TTN antisense RNA 1; plus strand), TTN (titin; minus strand). Cytogenetic location: 2q31.2.
Variant type: single nucleotide variant.
Coding change: c.56788A>G on transcript NM_001267550.2 (MANE Select); coding-DNA position 56788, A replaced by G.
Protein change: p.Arg18930Gly; replaces arginine 18930 with glycine.
Molecular consequence: missense variant.
Genome position (GRCh38, 1-based): chr2:178,598,922, T>C on the plus strand (A>G on the coding strand, the complement: TTN is on the minus strand). VCF-style: chr2-178598922-T-C. GRCh37 (hg19) VCF-style: chr2-179463649-T-C.
Other names: c.49084A>G, p.Arg16362Gly (NM_133378.4); c.51865A>G, p.Arg17289Gly (NM_001256850.1); c.29593A>G, p.Arg9865Gly (NM_003319.4); c.29968A>G, p.Arg9990Gly (NM_133432.3); c.30169A>G, p.Arg10057Gly (NM_133437.4); short protein forms R16362G, R18930G, R17289G, R9990G, R10057G, R9865G.
Identifiers: ClinVar variation 165960 (VCV000165960.5), dbSNP rs727503595, ClinGen allele CA178689.
Genomic context (GRCh38, chr2:178,598,922, plus strand): 5'-CTTTATAAGAAACACCCAAAGTCATGGCTTTGATAGGATCTCGGTTAACTCTCTTCCATC[T>C]CTTTGAAGTGGTGTCTTTCATTTCCAGCCAGTACCCTGTCACAGGAGAGCCTCCATCATA-3'
Protein context (NP_001254479.2, residues 18920-18940): WLEMKDTTSK[Arg18930Gly]WKRVNRDPIK